The following is an entry in ClinVar:

NM_004360.5(CDH1):c.1864A>T (p.Asn622Tyr)

Gene: CDH1 (cadherin 1; plus strand). Cytogenetic location: 16q22.1.
Variant type: single nucleotide variant.
Coding change: c.1864A>T on transcript NM_004360.5 (MANE Select); coding-DNA position 1864, A replaced by T.
Protein change: p.Asn622Tyr; replaces asparagine 622 with tyrosine.
Molecular consequence: missense variant. On other transcripts: 5 prime UTR variant (1).
Genome position (GRCh38, 1-based): chr16:68,822,153, A>T. VCF-style: chr16-68822153-A-T. GRCh37 (hg19) VCF-style: chr16-68856056-A-T.
Other names: c.1681A>T, p.Asn561Tyr (NM_001317184.2); c.316A>T, p.Asn106Tyr (NM_001317185.2); c.-102A>T (NM_001317186.2); short protein forms N561Y, N106Y, N622Y.
Identifiers: ClinVar variation 1444594 (VCV001444594.12), dbSNP rs367849039, ClinGen allele CA283312108.

ClinVar aggregate classification (germline): Uncertain significance. Review status: criteria provided, multiple submitters, no conflicts (2 of 4 stars). 3 submissions from 3 submitters: Uncertain significance (3). Last evaluated 2025-05-31.

Conditions:
Familial cancer of breast. Also called: BREAST CANCER, FAMILIAL; Hereditary breast cancer; hereditary breast carcinoma. Identifiers: Orphanet 227535, MedGen C0346153, MONDO:0016419, OMIM 114480. Disease mechanism: loss of function.
Hereditary cancer-predisposing syndrome. Also called: Tumor predisposition; Hereditary neoplastic syndrome; Hereditary Cancer Syndrome; Neoplastic Syndromes, Hereditary. Identifiers: Orphanet 140162, MedGen C0027672, MeSH D009386, MONDO:0015356.
Hereditary diffuse gastric adenocarcinoma (HDGC). Also called: DIFFUSE GASTRIC AND LOBULAR BREAST CANCER SYNDROME. Identifiers: Orphanet 26106, MedGen C1708349, MONDO:0007648, OMIM 137215.

Allele frequency attached by ClinVar (database versions not stated): gnomAD 0.00001; TOPMed 0.00001; ESP Exome Variant Server 0.00008.
gnomAD v4.1: 7 of 1,613,996 alleles (0.00043%); highest among the groups gnomAD compares: Non-Finnish European, 0.00059%; no homozygotes.

Submissions (3):

Ambry Genetics
Classification: Uncertain significance for Hereditary cancer-predisposing syndrome. Last evaluated: 2025-05-31. Review status: criteria provided, single submitter. Criteria: Ambry Variant Classification Scheme 2023. Collection method: clinical testing. Allele origin: germline.
Comment: The p.N622Y variant (also known as c.1864A>T), located in coding exon 12 of the CDH1 gene, results from an A to T substitution at nucleotide position 1864. The asparagine at codon 622 is replaced by tyrosine, an amino acid with dissimilar properties. This amino acid position is well conserved in available vertebrate species. In addition, the in silico prediction for this alteration is inconclusive. Since supporting evidence is limited at this time, the clinical significance of this alteration remains unclear.

Labcorp Genetics (formerly Invitae), Labcorp
Classification: Uncertain significance for Hereditary diffuse gastric adenocarcinoma. Last evaluated: 2024-04-08. Review status: criteria provided, single submitter. Criteria: Invitae Variant Classification Sherloc (09022015). Collection method: clinical testing. Allele origin: germline.
Comment: This sequence change replaces asparagine, which is neutral and polar, with tyrosine, which is neutral and polar, at codon 622 of the CDH1 protein (p.Asn622Tyr). This variant is present in population databases (rs367849039, gnomAD 0.0009%). This variant has not been reported in the literature in individuals affected with CDH1-related conditions. ClinVar contains an entry for this variant (Variation ID: 1444594). An algorithm developed to predict the effect of missense changes on protein structure and function (PolyPhen-2) suggests that this variant is likely to be disruptive. In summary, the available evidence is currently insufficient to determine the role of this variant in disease. Therefore, it has been classified as a Variant of Uncertain Significance.

Baylor Genetics
Classification: Uncertain significance for Familial cancer of breast. Last evaluated: 2023-05-09. Review status: criteria provided, single submitter. Criteria: ACMG Guidelines, 2015. Collection method: clinical testing. Allele origin: unknown.